The following is an entry in ClinVar:

NM_017841.4(SDHAF2):c.467dup (p.Asp157fs)

Gene: SDHAF2 (succinate dehydrogenase complex assembly factor 2; plus strand). Cytogenetic location: 11q12.2.
Variant type: Duplication.
Coding change: c.467dup on transcript NM_017841.4 (MANE Select); coding-DNA position 467, one base duplicated (C; older notation c.467dupC).
Protein change: p.Asp157fs; shifts the reading frame from aspartic acid 157.
Molecular consequence: frameshift variant.
Genome position (GRCh38, 1-based): chr11:61,446,037, C duplicated; the last of 4 consecutive C bases (chr11:61,446,034-61,446,037); duplicating any one gives the same sequence. VCF-style (leftmost placement, unchanged base first): chr11-61446033-G-GC. GRCh37 (hg19) VCF-style: chr11-61213505-G-GC.
Other names: c.467dupC (NM_017841.2); short protein forms D157fs.
Identifiers: ClinVar variation 1742387 (VCV001742387.2), dbSNP rs2540133125, ClinGen allele CA2580084354.
Genomic context (GRCh38, chr11:61,446,033, plus strand): 5'-GAAGTCATGGCCCTGCTGAGAGACTTTGCTAAAAACAAAAACAAAGAGCAGAGACTGCGT[G>GC]CCCCAGATCTTGAGTACCTCTTTGAAAAGCCACGTTGAGCTGTGCTCCACGGCCTGGCAT-3'

ClinVar aggregate classification (germline): Uncertain significance (1 of 4 stars; one submission).

Conditions:
Hereditary cancer-predisposing syndrome. Also called: Hereditary Cancer Syndrome; Hereditary neoplastic syndrome; Neoplastic Syndromes, Hereditary; Tumor predisposition. Identifiers: Orphanet 140162, MedGen C0027672, MeSH D009386, MONDO:0015356.

Submission:

Ambry Genetics
Classification: Uncertain significance for Hereditary cancer-predisposing syndrome. Last evaluated: 2022-07-11. Review status: criteria provided, single submitter. Criteria: Ambry Variant Classification Scheme 2023. Collection method: clinical testing. Allele origin: germline.
Comment: The c.467dupC variant, located in coding exon 4 of the SDHAF2 gene, results from a duplication of C at nucleotide position 467, causing a translational frameshift with a predicted alternate stop codon (p.D157Rfs*3). This alteration occurs at the 3' terminus of theSDHAF2 gene, is not expected to trigger nonsense-mediated mRNAdecay, and only impacts the last 10 amino acids of the protein. The exact functional effect of this alteration is unknown. Since supporting evidence is limited at this time, the clinical significance of this alteration remains unclear.